The following is an entry in ClinVar:

ClinVar aggregate classification (germline): Pathogenic. Review status: criteria provided, multiple submitters, no conflicts (2 of 4 stars). 4 submissions from 4 submitters: Pathogenic (3). 1 of the submissions does not count toward it. Last evaluated 2025-12-11.

Conditions:
Primary ciliary dyskinesia. Also called: Ciliary dyskinesia. Identifiers: Orphanet 244, MedGen C0008780, MONDO:0016575, HP:0012265.
Kartagener syndrome (CILD1). Also called: CILIARY DYSKINESIA, PRIMARY, 1; CILIARY DYSKINESIA, PRIMARY, 1, WITH OR WITHOUT SITUS INVERSUS; IMMOTILE CILIA SYNDROME; POLYNESIAN BRONCHIECTASIS; Dextrocardia bronchiectasis and sinusitis; SIEWERT SYNDROME. Identifiers: Orphanet 244, MedGen C4551906, MONDO:0009484, OMIM 244400.

Submissions (4):

Labcorp Genetics (formerly Invitae), Labcorp
Classification: Pathogenic for Primary ciliary dyskinesia. Last evaluated: 2025-12-11. Review status: criteria provided, single submitter. Criteria: Invitae Variant Classification Sherloc (09022015). Collection method: clinical testing. Allele origin: germline.
Comment: This sequence change creates a premature translational stop signal (p.Thr189*) in the DNAI1 gene. It is expected to result in an absent or disrupted protein product. Loss-of-function variants in DNAI1 are known to be pathogenic (PMID: 16858015, 29363216). This variant is present in population databases (no rsID available, gnomAD 0.0009%). This premature translational stop signal has been observed in individual(s) with primary ciliary dyskinesia (PMID: 29363216). This variant is also known as c.577_578delAC, p.T193*. ClinVar contains an entry for this variant (Variation ID: 1184556). Algorithms developed to predict the effect of sequence changes on RNA splicing suggest that this variant may disrupt the consensus splice site. For these reasons, this variant has been classified as Pathogenic.

Natera, Inc.
Classification: Pathogenic for Primary ciliary dyskinesia. Last evaluated: 2024-08-13. Review status: criteria provided, single submitter. Criteria: Natera Variant Classification Schema (03/2026). Collection method: clinical testing. Allele origin: germline.
Comment: The c.565_566delAC variant in DNAI1 is a frameshift variant predicted to shift the reading frame and introduce a stop codon. This variant is expected to result in nonsense mediated decay, truncation, or a dysfunctional protein product. This variant is rare in the general population with a frequency below the threshold expected for the associated phenotype(s). This variant has been observed in one or more individuals affected with the associated recessive disease, as either homozygous or compound heterozygous with a second variant (PMID: 29363216). Given the available evidence, this variant is classified as Pathogenic.

Fulgent Genetics
Classification: Pathogenic for Kartagener syndrome. Last evaluated: 2024-01-17. Review status: criteria provided, single submitter. Criteria: ACMG Guidelines, 2015. Collection method: clinical testing. Allele origin: germline.

Genomics England Pilot Project, Genomics England
Classification: Pathogenic for Kartagener syndrome. Review status: no assertion criteria provided. Criteria: ACGS Guidelines, 2016. Collection method: clinical testing. Allele origin: germline. Affected: yes. Not counted in ClinVar's aggregate classification.

Literature cited by the submitters: PubMed 16858015 (cited by Labcorp Genetics (formerly Invitae), Labcorp); PubMed 29363216 (cited by Labcorp Genetics (formerly Invitae), Labcorp and Natera, Inc.).

NM_012144.4(DNAI1):c.565_566del (p.Leu188_Thr189insTer)

Gene: DNAI1 (dynein axonemal intermediate chain 1; plus strand). Cytogenetic location: 9p13.3.
Variant type: Deletion.
Coding change: c.565_566del on transcript NM_012144.4 (MANE Select); coding-DNA positions 565 to 566, 2 bases deleted (AC; older notation c.565_566delAC).
Protein change: p.Leu188_Thr189insTer.
Molecular consequence: nonsense.
Genome position (GRCh38, 1-based): chr9:34,490,432-34,490,433, AC deleted; deleting any 2 consecutive bases within chr9:34,490,431-34,490,433 gives the same sequence; the c. name uses the placement nearest the transcript's 3' end. VCF-style (leftmost placement, unchanged base first): chr9-34490430-TCA-T. GRCh37 (hg19) VCF-style: chr9-34490428-TCA-T.
Other names: c.577_578del, p.Leu192_Thr193insTer (NM_001281428.2); c.565_566delAC (NM_012144.3).
Identifiers: ClinVar variation 1184556 (VCV001184556.12), dbSNP rs1405276816, ClinGen allele CA587229571.
Genomic context (GRCh38, chr9:34,490,430, plus strand): 5'-CAGCTGAAAAAGTGACTGAAGAAGAATTGATGACTCCTAAGCAGCCCAAGGAGAGAAAGC[TCA>T]CTAACCAGTTCAACTTCAGTGAGAGGGCCTCACAGACCTACAACAACCCTGTCCGGGTAG-3'